The following is an entry in ClinVar:

NM_001165963.4(SCN1A):c.5293T>C (p.Phe1765Leu)

Genes: SCN1A (sodium voltage-gated channel alpha subunit 1; minus strand), LOC102724058 (uncharacterized LOC102724058; plus strand). Cytogenetic location: 2q24.3.
Variant type: single nucleotide variant.
Coding change: c.5293T>C on transcript NM_001165963.4 (MANE Select); coding-DNA position 5293, T replaced by C.
Protein change: p.Phe1765Leu; replaces phenylalanine 1765 with leucine.
Molecular consequence: missense variant. On other transcripts: non-coding transcript variant (1).
Genome position (GRCh38, 1-based): chr2:165,991,982, A>G on the plus strand (T>C on the coding strand, the complement: SCN1A is on the minus strand). VCF-style: chr2-165991982-A-G. GRCh37 (hg19) VCF-style: chr2-166848492-A-G.
Other names: c.5293T>C, p.Phe1765Leu (NM_001353948.2, NM_001202435.3); c.5260T>C, p.Phe1754Leu (NM_001353949.2, NM_001353950.2, NM_001353951.2 and 2 more transcripts); c.5257T>C, p.Phe1753Leu (NM_001353954.2, NM_001353955.2); c.5209T>C, p.Phe1737Leu (NM_001353957.2, NM_001353958.2, NM_001165964.3); c.5206T>C, p.Phe1736Leu (NM_001353960.2); c.2851T>C, p.Phe951Leu (NM_001353961.2); short protein forms F1736L, F1737L, F1754L, F1765L, F951L, F1753L.
Identifiers: ClinVar variation 963219 (VCV000963219.12), dbSNP rs1689251604, ClinGen allele CA349068266.
Genomic context (GRCh38, chr2:165,991,982, plus strand): 5'-TGACCGCGATGTACATGTTCACCACAACCAGGAAGGATATGATGATGTAACTGACAAAAA[A>G]GAAAATTCCAACAGATGGGTTCCCACAGTCTCCCTTAACTGAGCTTCCAGGGTTAACTTT-3'
Protein context (NP_001159435.1, residues 1755-1775): DCGNPSVGIF[Phe1765Leu]FVSYIIISFL

ClinVar aggregate classification (germline): Pathogenic (1 of 4 stars; one submission).

Conditions:
Early-infantile DEE. Also called: Ohtahara syndrome; Early infantile epileptic encephalopathy; Early infantile epileptic encephalopathy with suppression bursts. Identifiers: Orphanet 1934, MedGen C0393706, MONDO:0800491.

Submissions (2):

Labcorp Genetics (formerly Invitae), Labcorp
Classification: Pathogenic for Early-infantile DEE. Last evaluated: 2024-02-10. Review status: criteria provided, single submitter. Criteria: Invitae Variant Classification Sherloc (09022015). Collection method: clinical testing. Allele origin: germline.
Comment: This sequence change replaces phenylalanine, which is neutral and non-polar, with leucine, which is neutral and non-polar, at codon 1765 of the SCN1A protein (p.Phe1765Leu). This variant is not present in population databases (gnomAD no frequency). This missense change has been observed in individual(s) with clinical features of autosomal dominant SCN1A-related conditions (PMID: 20550552, 33391346). In at least one individual the variant was observed to be de novo. ClinVar contains an entry for this variant (Variation ID: 963219). Advanced modeling of protein sequence and biophysical properties (such as structural, functional, and spatial information, amino acid conservation, physicochemical variation, residue mobility, and thermodynamic stability) performed at Invitae indicates that this missense variant is expected to disrupt SCN1A protein function with a positive predictive value of 95%. Experimental studies have shown that this missense change affects SCN1A function (PMID: 20550552). This variant disrupts the p.Phe1765 amino acid residue in SCN1A. Other variant(s) that disrupt this residue have been observed in individuals with SCN1A-related conditions (PMID: 30619928), which suggests that this may be a clinically significant amino acid residue. For these reasons, this variant has been classified as Pathogenic.

Channelopathy-Associated Epilepsy Research Center
No classification provided (evidence only). Condition: Severe myoclonic epilepsy in infancy. Review status: no classification provided. Collection method: literature only. Allele origin: not applicable. Functional consequence: Absence of peak current. Not counted in ClinVar's aggregate classification.
ClinVar note: "not provided" was previously submitted as the classification for the variant. However, the classification appeared to be based only on an observation of functional data so it was converted to no classification on 2025-07-30.

Literature cited by the submitters: PubMed 20550552 (cited by Labcorp Genetics (formerly Invitae), Labcorp and Channelopathy-Associated Epilepsy Research Center); PubMed 33391346 (cited by Labcorp Genetics (formerly Invitae), Labcorp); PubMed 30619928 (cited by Labcorp Genetics (formerly Invitae), Labcorp).